The following is an entry in ClinVar:

ClinVar aggregate classification (germline): Uncertain significance. Review status: criteria provided, multiple submitters, no conflicts (2 of 4 stars). 2 submissions from 2 submitters: Uncertain significance (2). Last evaluated 2025-10-08.

gnomAD v4.1: 5 of 1,614,034 alleles (0.00031%); highest among the groups gnomAD compares: Admixed American, 0.0067%; no homozygotes.

Submissions (2):

Ambry Genetics
Classification: Uncertain significance. Last evaluated: 2025-10-08. Review status: criteria provided, single submitter. Criteria: Ambry Variant Classification Scheme 2023. Collection method: clinical testing. Allele origin: germline.

Labcorp Genetics (formerly Invitae), Labcorp
Classification: Uncertain significance. Last evaluated: 2025-04-30. Review status: criteria provided, single submitter. Criteria: Invitae Variant Classification Sherloc (09022015). Collection method: clinical testing. Allele origin: germline.
Comment: This sequence change replaces proline, which is neutral and non-polar, with serine, which is neutral and polar, at codon 1077 of the ADGRA3 protein (p.Pro1077Ser). This variant is present in population databases (rs530216418, gnomAD 0.003%). This variant has not been reported in the literature in individuals affected with ADGRA3-related conditions. An algorithm developed to predict the effect of missense changes on protein structure and function outputs the following: PolyPhen-2: "Benign". The serine amino acid residue is found in multiple mammalian species, which suggests that this missense change does not adversely affect protein function. In summary, the available evidence is currently insufficient to determine the role of this variant in disease. Therefore, it has been classified as a Variant of Uncertain Significance.

NM_145290.4(ADGRA3):c.3229C>T (p.Pro1077Ser)

Gene: ADGRA3 (adhesion G protein-coupled receptor A3; minus strand). Cytogenetic location: 4p15.2.
Variant type: single nucleotide variant.
Coding change: c.3229C>T on transcript NM_145290.4 (MANE Select); coding-DNA position 3229, C replaced by T.
Protein change: p.Pro1077Ser; replaces proline 1077 with serine.
Molecular consequence: missense variant.
Genome position (GRCh38, 1-based): chr4:22,388,442, G>A on the plus strand (C>T on the coding strand, the complement: ADGRA3 is on the minus strand). VCF-style: chr4-22388442-G-A. GRCh37 (hg19) VCF-style: chr4-22390065-G-A.
Other names: short protein forms P1077S.
Identifiers: ClinVar variation 4638125 (VCV004638125.2).